The following is an entry in ClinVar:

NM_017763.6(RNF43):c.2147G>T (p.Gly716Val)

Gene: RNF43 (ring finger protein 43; minus strand). Cytogenetic location: 17q22.
Variant type: single nucleotide variant.
Coding change: c.2147G>T on transcript NM_017763.6 (MANE Select); coding-DNA position 2147, G replaced by T.
Protein change: p.Gly716Val; replaces glycine 716 with valine.
Molecular consequence: missense variant.
Genome position (GRCh38, 1-based): chr17:58,357,629, C>A on the plus strand (G>T on the coding strand, the complement: RNF43 is on the minus strand). VCF-style: chr17-58357629-C-A. GRCh37 (hg19) VCF-style: chr17-56434990-C-A.
Other names: c.2147G>T, p.Gly716Val (NM_001305544.3); c.1766G>T, p.Gly589Val (NM_001305545.2); c.2147G>T (NM_017763.4); short protein forms G589V, G716V.
Identifiers: ClinVar variation 1064188 (VCV001064188.12), dbSNP rs765464591, ClinGen allele CA400386037.
Genomic context (GRCh38, chr17:58,357,629, plus strand): 5'-TCCAGGGGCTGGCGAGGAGTCAGGCACAACCACACTGGCTGTGAATTTGAGTAACAGGGG[C>A]CTGGGGTTTCTGGTAGCAGCCTCTTGTCCAGGCCTGGAGGTCCACAGATCAAGGGGTGTG-3'
Protein context (NP_060233.3, residues 706-726): LDKRLLPETP[Gly716Val]PCYSNSQPVW

ClinVar aggregate classification (germline): Uncertain significance. Review status: criteria provided, multiple submitters, no conflicts (2 of 4 stars). 4 submissions from 4 submitters: Uncertain significance (4). Last evaluated 2025-08-24.

Conditions:
Sessile serrated polyposis cancer syndrome (SSPCS). Identifiers: Orphanet 157798, MedGen C4310714, MONDO:0014919, OMIM 617108.

gnomAD v4.1: 2 of 1,613,770 alleles (0.00012%); highest among the groups gnomAD compares: Admixed American, 0.0033%; no homozygotes.

Submissions (4):

Ambry Genetics
Classification: Uncertain significance. Last evaluated: 2025-08-24. Review status: criteria provided, single submitter. Criteria: Ambry Variant Classification Scheme 2023. Collection method: clinical testing. Allele origin: germline.
Comment: The p.G716V variant (also known as c.2147G>T), located in coding exon 8 of the RNF43 gene, results from a G to T substitution at nucleotide position 2147. The glycine at codon 716 is replaced by valine, an amino acid with dissimilar properties. This amino acid position is conserved. In addition, this alteration is predicted to be tolerated by in silico analysis. Based on the available evidence, the clinical significance of this variant remains unclear.

Baylor Genetics
Classification: Uncertain significance for Sessile serrated polyposis cancer syndrome. Last evaluated: 2023-08-18. Review status: criteria provided, single submitter. Criteria: ACMG Guidelines, 2015. Collection method: clinical testing. Allele origin: unknown.

Labcorp Genetics (formerly Invitae), Labcorp
Classification: Uncertain significance. Last evaluated: 2020-03-10. Review status: criteria provided, single submitter. Criteria: Invitae Variant Classification Sherloc (09022015). Collection method: clinical testing. Allele origin: germline.
Comment: This variant is not present in population databases (ExAC no frequency). In summary, the available evidence is currently insufficient to determine the role of this variant in disease. Therefore, it has been classified as a Variant of Uncertain Significance. Algorithms developed to predict the effect of missense changes on protein structure and function output the following: SIFT: "Tolerated"; PolyPhen-2: "Benign"; Align-GVGD: "Class C0". The valine amino acid residue is found in multiple mammalian species, suggesting that this missense change does not adversely affect protein function. These predictions have not been confirmed by published functional studies and their clinical significance is uncertain. This variant has not been reported in the literature in individuals with RNF43-related conditions. This sequence change replaces glycine with valine at codon 716 of the RNF43 protein (p.Gly716Val). The glycine residue is moderately conserved and there is a moderate physicochemical difference between glycine and valine.

Breakthrough Genomics
Classification: Uncertain significance. Review status: criteria provided, single submitter. Criteria: ACMG Guidelines, 2015. Collection method: not provided. Allele origin: germline. Inheritance: Autosomal dominant inheritance. Affected: yes.